The following is an entry in ClinVar:

NM_002085.5(GPX4):c.512A>G (p.Asp171Gly)

Gene: GPX4 (glutathione peroxidase 4; plus strand). Cytogenetic location: 19p13.3.
Variant type: single nucleotide variant.
Coding change: c.512A>G on transcript NM_002085.5 (MANE Select); coding-DNA position 512, A replaced by G.
Protein change: p.Asp171Gly; replaces aspartic acid 171 with glycine.
Molecular consequence: missense variant. On other transcripts: synonymous variant (1).
Genome position (GRCh38, 1-based): chr19:1,106,410, A>G. VCF-style: chr19-1106410-A-G. GRCh37 (hg19) VCF-style: chr19-1106409-A-G.
Other names: c.534A>G, p.Arg178= (NM_001039847.3); c.623A>G, p.Asp208Gly (NM_001039848.4); c.431A>G, p.Asp144Gly (NM_001367832.1); short protein forms D144G, D171G, D208G.
Identifiers: ClinVar variation 1514972 (VCV001514972.4), dbSNP rs768879858, ClinGen allele CA9037467.

ClinVar aggregate classification (germline): Uncertain significance (1 of 4 stars; one submission).

Allele frequency attached by ClinVar (database versions not stated): gnomAD exomes 0.00001 and 0.00003; ExAC 0.00002; gnomAD 0.00007 and 0.00009; TOPMed 0.00008.
gnomAD v4.1: 30 of 1,613,398 alleles (0.0019%); highest among the groups gnomAD compares: African/African-American, 0.037%; no homozygotes.

Submission:

Labcorp Genetics (formerly Invitae), Labcorp
Classification: Uncertain significance. Last evaluated: 2022-11-01. Review status: criteria provided, single submitter. Criteria: Invitae Variant Classification Sherloc (09022015). Collection method: clinical testing. Allele origin: germline.
Comment: In summary, the available evidence is currently insufficient to determine the role of this variant in disease. Therefore, it has been classified as a Variant of Uncertain Significance. Algorithms developed to predict the effect of missense changes on protein structure and function are either unavailable or do not agree on the potential impact of this missense change (SIFT: "Deleterious"; PolyPhen-2: "Not Available"; Align-GVGD: "Class C35"). ClinVar contains an entry for this variant (Variation ID: 1514972). This variant has not been reported in the literature in individuals affected with GPX4-related conditions. This variant is present in population databases (rs768879858, gnomAD 0.03%). This sequence change replaces aspartic acid, which is acidic and polar, with glycine, which is neutral and non-polar, at codon 208 of the GPX4 protein (p.Asp208Gly).